The following is an entry in ClinVar:

ClinVar aggregate classification (germline): Uncertain significance (1 of 4 stars; one submission).

Submission:

Labcorp Genetics (formerly Invitae), Labcorp
Classification: Uncertain significance. Last evaluated: 2025-10-10. Review status: criteria provided, single submitter. Criteria: Invitae Variant Classification Sherloc (09022015). Collection method: clinical testing. Allele origin: germline.
Comment: This sequence change replaces glutamine, which is neutral and polar, with glutamic acid, which is acidic and polar, at codon 152 of the HNF1B protein (p.Gln152Glu). This variant is not present in population databases (gnomAD no frequency). This variant has not been reported in the literature in individuals affected with HNF1B-related conditions. Invitae Evidence Modeling of protein sequence and biophysical properties (such as structural, functional, and spatial information, amino acid conservation, physicochemical variation, residue mobility, and thermodynamic stability) has been performed for this missense variant. However, the output from this modeling did not meet the statistical confidence thresholds required to predict the impact of this variant on HNF1B protein function. In summary, the available evidence is currently insufficient to determine the role of this variant in disease. Therefore, it has been classified as a Variant of Uncertain Significance.

NM_000458.4(HNF1B):c.454C>G (p.Gln152Glu)

Gene: HNF1B (HNF1 homeobox B; minus strand). Cytogenetic location: 17q12.
Variant type: single nucleotide variant.
Coding change: c.454C>G on transcript NM_000458.4 (MANE Select); coding-DNA position 454, C replaced by G.
Protein change: p.Gln152Glu; replaces glutamine 152 with glutamic acid.
Molecular consequence: missense variant.
Genome position (GRCh38, 1-based): chr17:37,739,530, G>C on the plus strand (C>G on the coding strand, the complement: HNF1B is on the minus strand). VCF-style: chr17-37739530-G-C. GRCh37 (hg19) VCF-style: chr17-36099521-G-C.
Other names: c.454C>G, p.Gln152Glu (NM_001165923.4, NM_001304286.2, NM_001411100.1); short protein forms Q152E.
Identifiers: ClinVar variation 4736712 (VCV004736712.1).